The following is an entry in ClinVar:

NM_015559.3(SETBP1):c.3779C>G (p.Thr1260Arg)

Gene: SETBP1 (SET binding protein 1; plus strand). Cytogenetic location: 18q12.3.
Variant type: single nucleotide variant.
Coding change: c.3779C>G on transcript NM_015559.3 (MANE Select); coding-DNA position 3779, C replaced by G.
Protein change: p.Thr1260Arg; replaces threonine 1260 with arginine.
Molecular consequence: missense variant.
Genome position (GRCh38, 1-based): chr18:44,953,119, C>G. VCF-style: chr18-44953119-C-G. GRCh37 (hg19) VCF-style: chr18-42533084-C-G.
Other names: c.3779C>G, p.Thr1260Arg (NM_001379141.1, NM_001379142.1, NM_001410862.1); short protein forms T1260R.
Identifiers: ClinVar variation 4536953 (VCV004536953.1).
Genomic context (GRCh38, chr18:44,953,119, plus strand): 5'-AGCATTGGACACAGGCCAAGGAAAAAGGAGACTTGAGCAGTGAGCCTGTGGACTCATGCA[C>G]GAAAAGATACTCTGGCAGTGGCGGGGATGGTGGCAGCACGAGATCAGAGAACCTGGACGT-3'
Protein context (NP_056374.2, residues 1250-1270): DLSSEPVDSC[Thr1260Arg]KRYSGSGGDG

ClinVar aggregate classification (germline): Uncertain significance (1 of 4 stars; one submission).

gnomAD v4.1: 1 of 1,614,050 alleles (0.000062%); highest among the groups gnomAD compares: Admixed American, 0.0017%; no homozygotes.

Submission:

Women's Health and Genetics/Laboratory Corporation of America, LabCorp
Classification: Uncertain significance. Last evaluated: 2025-11-26. Review status: criteria provided, single submitter. Criteria: LabCorp Variant Classification Summary - May 2015. Collection method: clinical testing. Allele origin: germline.
Comment: Variant summary: SETBP1 c.3779C>G (p.Thr1260Arg) results in a non-conservative amino acid change in the encoded protein sequence. Algorithms developed to predict the effect of missense changes on protein structure and function are either unavailable or do not agree on the potential impact of this missense change. The variant was absent in 250872 control chromosomes. The available data on variant occurrences in the general population are insufficient to allow any conclusion about variant significance. To our knowledge, no occurrence of c.3779C>G in individuals affected with SETBP1-related conditions and no experimental evidence demonstrating its impact on protein function have been reported. No submitters have cited clinical-significance assessments for this variant to ClinVar. Based on the evidence outlined above, the variant was classified as uncertain significance.